The following is an entry in ClinVar:

ClinVar aggregate classification (germline): Uncertain significance (1 of 4 stars; one submission).

Conditions:
Wilson disease (WND). Also called: Wilson's disease. Identifiers: Orphanet 905, MedGen C0019202, MONDO:0010200, OMIM 277900. Disease mechanism: loss of function.

Allele frequency attached by ClinVar (database versions not stated): TOPMed 0.00001.
gnomAD v4.1: 2 of 1,614,142 alleles (0.00012%); no homozygotes.

Submission:

All of Us Research Program, National Institutes of Health
Classification: Uncertain significance for Wilson disease. Last evaluated: 2023-06-26. Review status: criteria provided, single submitter. Criteria: ACMG Guidelines, 2015. Collection method: clinical testing. Allele origin: germline. Inheritance: Autosomal recessive inheritance. Observed: 1 variant allele, 1 heterozygote.
Comment: This missense variant replaces glycine with valine at codon 1335 of the ATP7B protein. Computational prediction suggests that this variant may have deleterious impact on protein structure and function (internally defined REVEL score threshold >= 0.7, PMID: 27666373). To our knowledge, functional studies have not been reported for this variant. This variant has not been reported in individuals affected with ATP7B-related disorders in the literature. This variant has not been identified in the general population by the Genome Aggregation Database (gnomAD). The available evidence is insufficient to determine the role of this variant in disease conclusively. Therefore, this variant is classified as a Variant of Uncertain Significance.

This study involves interpretation of variants in research participants for the purpose of population health screening. Participant phenotype was not available at the time of variant classification. Additional details can be found in publication PMID: 35346344, PMCID: PMC8962531

NM_000053.4(ATP7B):c.4004G>T (p.Gly1335Val)

Gene: ATP7B (ATPase copper transporting beta; minus strand). Cytogenetic location: 13q14.3.
Variant type: single nucleotide variant.
Coding change: c.4004G>T on transcript NM_000053.4 (MANE Select); coding-DNA position 4004, G replaced by T.
Protein change: p.Gly1335Val; replaces glycine 1335 with valine.
Molecular consequence: missense variant.
Genome position (GRCh38, 1-based): chr13:51,937,293, C>A on the plus strand (G>T on the coding strand, the complement: ATP7B is on the minus strand). VCF-style: chr13-51937293-C-A. GRCh37 (hg19) VCF-style: chr13-52511429-C-A.
Other names: c.3383G>T, p.Gly1128Val (NM_001005918.3); c.3671G>T, p.Gly1224Val (NM_001243182.2); c.3770G>T, p.Gly1257Val (NM_001330578.2, NM_001406527.1, NM_001406528.1); c.3752G>T, p.Gly1251Val (NM_001330579.2, NM_001406531.1, NM_001406532.1); c.4004G>T, p.Gly1335Val (NM_001406511.1, NM_001406512.1); c.3998G>T, p.Gly1333Val (NM_001406513.1); c.3971G>T, p.Gly1324Val (NM_001406514.1); c.3950G>T, p.Gly1317Val (NM_001406515.1, NM_001406516.1); and 21 more; short protein forms G1054V, G1108V, G1119V, G1128V, G1141V, G1171V, G1173V, G1186V.
Identifiers: ClinVar variation 3075580 (VCV003075580.1), dbSNP rs1957026370, ClinGen allele CA388020818.
Genomic context (GRCh38, chr13:51,937,293, plus strand): 5'-CTTTCTGGGCGCAGCTGGAGCACAGTGGGTAAGAGCTGCCTACCTGCTGCAATGGGTATC[C>A]CAACCAGGTTATAAATCAGTGCCAGGACCAGGTTGATGCGTATCCTTCGGACAGTCCTCT-3'
Protein context (NP_000044.2, residues 1325-1345): LVLALIYNLV[Gly1335Val]IPIAAGVFMP